The following is an entry in ClinVar:

ClinVar aggregate classification (germline): Likely benign. Review status: criteria provided, multiple submitters, no conflicts (2 of 4 stars). 4 submissions from 4 submitters: Likely benign (3). 1 of the submissions does not count toward it. Last evaluated 2023-05-01.

Conditions:
TNXB-related disorder. Also called: TNXB-related condition.

Allele frequency attached by ClinVar (database versions not stated): gnomAD 0.00340; 1000 Genomes Project 0.00519; 1000 Genomes Project 30x 0.00671.

Submissions (4):

CeGaT Center for Human Genetics Tuebingen
Classification: Likely benign. Last evaluated: 2023-05-01. Review status: criteria provided, single submitter. Criteria: CeGaT Center For Human Genetics Tuebingen Variant Classification Criteria Version 2. Collection method: clinical testing. Allele origin: germline. Affected: yes. Observed: 1 variant allele.
Comment: TNXB: BP4, BS1

GeneDx
Classification: Likely benign. Last evaluated: 2018-07-14. Review status: criteria provided, single submitter. Criteria: GeneDx Variant Classification Process June 2021. Collection method: clinical testing. Allele origin: germline. Affected: yes.

Breakthrough Genomics
Classification: Likely benign. Review status: criteria provided, single submitter. Criteria: ACMG Guidelines, 2015. Collection method: not provided. Allele origin: germline. Inheritance: Autosomal recessive inheritance. Affected: yes.

PreventionGenetics, part of Exact Sciences
Classification: Uncertain significance for TNXB-related condition. Last evaluated: 2024-03-28. Review status: no assertion criteria provided. Collection method: clinical testing. Allele origin: germline. Not counted in ClinVar's aggregate classification.
Comment: The TNXB c.10798G>A variant is predicted to result in the amino acid substitution p.Val3600Met. To our knowledge, this variant has not been reported in the literature. This variant is reported in 1.2% of alleles in individuals of African descent in gnomAD. This variant falls within a highly paralogous region. Allele frequency data should be interpreted with caution. Although we suspect this variant is benign, at this time, the clinical significance of this variant is uncertain due to the absence of conclusive functional and genetic evidence.

NM_001365276.2(TNXB):c.10804G>A (p.Val3602Met)

Genes: TNXB (tenascin XB; minus strand), LOC106780803 (tenascin XB recombination region; plus strand). Cytogenetic location: 6p21.33.
Variant type: single nucleotide variant.
Coding change: c.10804G>A on transcript NM_001365276.2 (MANE Select); coding-DNA position 10804, G replaced by A.
Protein change: p.Val3602Met; replaces valine 3602 with methionine.
Molecular consequence: missense variant.
Genome position (GRCh38, 1-based): chr6:32,045,129, C>T on the plus strand (G>A on the coding strand, the complement: TNXB is on the minus strand). VCF-style: chr6-32045129-C-T. GRCh37 (hg19) VCF-style: chr6-32012906-C-T.
Other names: c.10798G>A, p.Val3600Met (NM_019105.8); c.91G>A, p.Val31Met (NM_032470.4); short protein forms V31M, V3600M, V3602M.
Identifiers: ClinVar variation 1198059 (VCV001198059.27), dbSNP rs142627164, ClinGen allele CA3733138.